The following is an entry in ClinVar:

NM_003931.3(WASF1):c.179A>G (p.His60Arg)

Gene: WASF1 (WASP family member 1; minus strand). Cytogenetic location: 6q21.
Variant type: single nucleotide variant.
Coding change: c.179A>G on transcript NM_003931.3 (MANE Select); coding-DNA position 179, A replaced by G.
Protein change: p.His60Arg; replaces histidine 60 with arginine.
Molecular consequence: missense variant.
Genome position (GRCh38, 1-based): chr6:110,113,415, T>C on the plus strand (A>G on the coding strand, the complement: WASF1 is on the minus strand). VCF-style: chr6-110113415-T-C. GRCh37 (hg19) VCF-style: chr6-110434618-T-C.
Other names: c.179A>G, p.His60Arg (NM_001024934.2, NM_001024935.2, NM_001024936.2); short protein forms H60R.
Identifiers: ClinVar variation 3339254 (VCV003339254.1).

ClinVar aggregate classification (germline): Uncertain significance (1 of 4 stars; one submission).

gnomAD v4.1: 2 of 1,603,638 alleles (0.00012%); highest among the groups gnomAD compares: Non-Finnish European, 0.00017%; no homozygotes.

Submission:

Women's Health and Genetics/Laboratory Corporation of America, LabCorp
Classification: Uncertain significance. Last evaluated: 2024-07-30. Review status: criteria provided, single submitter. Criteria: LabCorp Variant Classification Summary - May 2015. Collection method: clinical testing. Allele origin: germline.
Comment: Variant summary: WASF1 c.179A>G (p.His60Arg) results in a non-conservative amino acid change in the encoded protein sequence. Four of five in-silico tools predict a damaging effect of the variant on protein function. The variant allele was found at a frequency of 4.1e-06 in 242636 control chromosomes. The available data on variant occurrences in the general population are insufficient to allow any conclusion about variant significance. To our knowledge, no occurrence of c.179A>G in individuals affected with Neurodevelopmental Disorder With Absent Language And Variable Seizures and no experimental evidence demonstrating its impact on protein function have been reported. No submitters have cited clinical-significance assessments for this variant to ClinVar. Based on the evidence outlined above, the variant was classified as uncertain significance.